The following is an entry in ClinVar:

ClinVar aggregate classification (germline): Uncertain significance. Review status: criteria provided, multiple submitters, no conflicts (2 of 4 stars). 2 submissions from 2 submitters: Uncertain significance (2). Last evaluated 2024-08-12.

Conditions:
Inborn genetic diseases. Identifiers: MedGen C0950123, MeSH D030342.

Allele frequency attached by ClinVar (database versions not stated): gnomAD exomes below 0.00001; gnomAD 0.00003; TOPMed 0.00005.
gnomAD v4.1: 12 of 1,583,226 alleles (0.00076%); highest among the groups gnomAD compares: Admixed American, 0.0092%; no homozygotes.

Submissions (2):

Ambry Genetics
Classification: Uncertain significance for Inborn genetic diseases. Last evaluated: 2024-08-12. Review status: criteria provided, single submitter. Criteria: Ambry Variant Classification Scheme 2023. Collection method: clinical testing. Allele origin: germline.

Labcorp Genetics (formerly Invitae), Labcorp
Classification: Uncertain significance. Last evaluated: 2022-08-02. Review status: criteria provided, single submitter. Criteria: Invitae Variant Classification Sherloc (09022015). Collection method: clinical testing. Allele origin: germline.
Comment: This sequence change replaces glycine, which is neutral and non-polar, with valine, which is neutral and non-polar, at codon 386 of the CNGB1 protein (p.Gly386Val). This variant is present in population databases (rs759200502, gnomAD 0.007%). This variant has not been reported in the literature in individuals affected with CNGB1-related conditions. Advanced modeling of protein sequence and biophysical properties (such as structural, functional, and spatial information, amino acid conservation, physicochemical variation, residue mobility, and thermodynamic stability) performed at Invitae indicates that this missense variant is not expected to disrupt CNGB1 protein function. In summary, the available evidence is currently insufficient to determine the role of this variant in disease. Therefore, it has been classified as a Variant of Uncertain Significance.

NM_001297.5(CNGB1):c.1157G>T (p.Gly386Val)

Gene: CNGB1 (cyclic nucleotide gated channel subunit beta 1; minus strand). Cytogenetic location: 16q21.
Variant type: single nucleotide variant.
Coding change: c.1157G>T on transcript NM_001297.5 (MANE Select); coding-DNA position 1157, G replaced by T.
Protein change: p.Gly386Val; replaces glycine 386 with valine.
Molecular consequence: missense variant.
Genome position (GRCh38, 1-based): chr16:57,940,286, C>A on the plus strand (G>T on the coding strand, the complement: CNGB1 is on the minus strand). VCF-style: chr16-57940286-C-A. GRCh37 (hg19) VCF-style: chr16-57974190-C-A.
Other names: c.1139G>T, p.Gly380Val (NM_001286130.2); c.1157G>T (NM_001297.4); short protein forms G386V, G380V.
Identifiers: ClinVar variation 1899511 (VCV001899511.3), dbSNP rs759200502, ClinGen allele CA8083524.